The following is an entry in ClinVar:

ClinVar aggregate classification (germline): Uncertain significance. Review status: criteria provided, multiple submitters, no conflicts (2 of 4 stars). 2 submissions from 2 submitters: Uncertain significance (2). Last evaluated 2023-12-13.

Conditions:
Familial hypercholesterolemia. Also called: Familial hypercholesterolaemia; Familial hypercholesterolemias. Identifiers: MedGen C0020445, MONDO:0005439.
Hypercholesterolemia, autosomal dominant, 3 (FHCL3). Also called: Familial hypercholesterolemia 3; Familial Hypercholesterolemia, Autosomal Dominant, 3; PCSK9-Related Familial Hypercholesterolemia, Autosomal Dominant. Identifiers: MedGen C1863551, MONDO:0011369, OMIM 603776.

Allele frequency attached by ClinVar (database versions not stated): TOPMed below 0.00001; ESP Exome Variant Server 0.00008.
gnomAD v4.1: 33 of 1,614,194 alleles (0.002%); highest among the groups gnomAD compares: Non-Finnish European, 0.0025%; no homozygotes.

Submissions (2):

All of Us Research Program, National Institutes of Health
Classification: Uncertain significance for Hypercholesterolemia, autosomal dominant, 3. Last evaluated: 2023-12-13. Review status: criteria provided, single submitter. Criteria: ACMG Guidelines, 2015. Collection method: clinical testing. Allele origin: germline. Inheritance: Autosomal dominant inheritance. Observed: 2 variant alleles, 2 heterozygotes.
Comment: This missense variant replaces arginine with histidine at codon 104 of the PCSK9 protein. Computational prediction suggests that this variant may not impact protein structure and function (internally defined REVEL score threshold <= 0.5, PMID: 27666373). To our knowledge, functional studies have not been reported for this variant. This variant has not been reported in individuals affected with familial hypercholesterolemia in the literature. This variant has been identified in 6/251328 chromosomes in the general population by the Genome Aggregation Database (gnomAD). The available evidence is insufficient to determine the role of this variant in disease conclusively. Therefore, this variant is classified as a Variant of Uncertain Significance.

This study involves interpretation of variants in research participants for the purpose of population health screening. Participant phenotype was not available at the time of variant classification. Additional details can be found in publication PMID: 35346344, PMCID: PMC8962531

Color Diagnostics, LLC DBA Color Health
Classification: Uncertain significance for Familial hypercholesterolemia. Last evaluated: 2023-11-15. Review status: criteria provided, single submitter. Criteria: ACMG Guidelines, 2015. Collection method: clinical testing. Allele origin: germline.
Comment: This missense variant replaces arginine with histidine at codon 104 of the PCSK9 protein. Computational prediction tools indicate that this variant has a neutral impact on protein structure and function. To our knowledge, functional studies have not been reported for this variant. This variant has not been reported in individuals affected with PCSK9-related disorders in the literature. This variant has been identified in 6/251328 chromosomes in the general population by the Genome Aggregation Database (gnomAD). The available evidence is insufficient to determine the role of this variant in disease conclusively. Therefore, this variant is classified as a Variant of Uncertain Significance.

NM_174936.4(PCSK9):c.311G>A (p.Arg104His)

Gene: PCSK9 (proprotein convertase subtilisin/kexin type 9; plus strand). Cytogenetic location: 1p32.3.
Variant type: single nucleotide variant.
Coding change: c.311G>A on transcript NM_174936.4 (MANE Select); coding-DNA position 311, G replaced by A.
Protein change: p.Arg104His; replaces arginine 104 with histidine.
Molecular consequence: missense variant.
Genome position (GRCh38, 1-based): chr1:55,043,946, G>A. VCF-style: chr1-55043946-G-A. GRCh37 (hg19) VCF-style: chr1-55509619-G-A.
Other names: short protein forms R104H.
Identifiers: ClinVar variation 1172036 (VCV001172036.5), dbSNP rs72658890, ClinGen allele CA041408.
Genomic context (GRCh38, chr1:55,043,946, plus strand): 5'-AGGAGACCCACCTCTCGCAGTCAGAGCGCACTGCCCGCCGCCTGCAGGCCCAGGCTGCCC[G>A]CCGGGGATACCTCACCAAGATCCTGCATGTCTTCCATGGCCTTCTTCCTGGCTTCCTGGT-3'
Protein context (NP_777596.2, residues 94-114): TARRLQAQAA[Arg104His]RGYLTKILHV